The following is an entry in ClinVar:

NM_000179.3(MSH6):c.1835C>G (p.Ser612Ter)

Gene: MSH6 (mutS homolog 6; plus strand). Cytogenetic location: 2p16.3.
Variant type: single nucleotide variant.
Coding change: c.1835C>G on transcript NM_000179.3 (MANE Select); coding-DNA position 1835, C replaced by G.
Protein change: p.Ser612Ter; replaces serine 612 with a stop codon.
Molecular consequence: nonsense.
Genome position (GRCh38, 1-based): chr2:47,799,818, C>G. VCF-style: chr2-47799818-C-G. GRCh37 (hg19) VCF-style: chr2-48026957-C-G.
Other names: c.1445C>G, p.Ser482Ter (NM_001281492.2); c.929C>G, p.Ser310Ter (NM_001281493.2, NM_001281494.2); short protein forms S612*, S310*, S482*.
Identifiers: ClinVar variation 525727 (VCV000525727.9), dbSNP rs63750564, ClinGen allele CA346749580.
Genomic context (GRCh38, chr2:47,799,818, plus strand): 5'-TACAAGTTTTATTTGAAAAAGGAAATCTCTCAAAGGAAACTAAAACAATTCTAAAGAGTT[C>G]ATTGTCCTGTTCTCTTCAGGAAGGTCTGATACCCGGCTCCCAGTTTTGGGATGCATCCAA-3'

ClinVar aggregate classification (germline): Pathogenic (1 of 4 stars; one submission).

Conditions:
Hereditary nonpolyposis colorectal neoplasms. Identifiers: MedGen C0009405, MeSH D003123.

Submission:

Labcorp Genetics (formerly Invitae), Labcorp
Classification: Pathogenic for Hereditary nonpolyposis colorectal neoplasms. Last evaluated: 2017-12-25. Review status: criteria provided, single submitter. Criteria: Invitae Variant Classification Sherloc (09022015). Collection method: clinical testing. Allele origin: germline.
Comment: For these reasons, this variant has been classified as Pathogenic. Loss-of-function variants in MSH6 are known to be pathogenic (PMID: 18269114, 24362816). This variant has not been reported in the literature in individuals with MSH6-related disease. A different variant (c.1835C>A) giving rise to the same protein effect observed here (p.Ser612*) has been reported to segregate with disease in a family affected with Lynch syndrome-related cancers (PMID: 16525781). This variant is not present in population databases (ExAC no frequency). This sequence change creates a premature translational stop signal (p.Ser612*) in the MSH6 gene. It is expected to result in an absent or disrupted protein product.

Literature cited by the submitters: PubMed 18269114; PubMed 24362816; PubMed 16525781.